The following is an entry in ClinVar:

NM_018060.4(IARS2):c.750-1G>A

Gene: IARS2 (isoleucyl-tRNA synthetase 2, mitochondrial; plus strand). Cytogenetic location: 1q41.
Variant type: single nucleotide variant.
Coding change: c.750-1G>A on transcript NM_018060.4 (MANE Select); the canonical splice acceptor site of the intron before coding-DNA position 750, G replaced by A.
Molecular consequence: splice acceptor variant.
Genome position (GRCh38, 1-based): chr1:220,102,494, G>A. VCF-style: chr1-220102494-G-A. GRCh37 (hg19) VCF-style: chr1-220275836-G-A.
Identifiers: ClinVar variation 4885314 (VCV004885314.2).

ClinVar aggregate classification (germline): Likely pathogenic (1 of 4 stars; one submission).

Submission:

Dasa
Classification: Likely pathogenic. Last evaluated: 2025-04-14. Review status: criteria provided, single submitter. Criteria: DASA Assertion Criteria. Collection method: clinical testing. Allele origin: germline.
Comment: NM_018060.4(IARS2):c.750-1G>A affects a canonical splice site and is predicted to disrupt normal RNA splicing. Loss of function is an established disease mechanism for IARS2-associated disorders. Also, this variant is absent from population databases. Based on the currently available evidence, this variant is classified as likely pathogenic.